The following is an entry in ClinVar:

ClinVar aggregate classification (germline): Uncertain significance (1 of 4 stars; one submission).

Submission:

GeneDx
Classification: Uncertain significance. Last evaluated: 2024-07-30. Review status: criteria provided, single submitter. Criteria: GeneDx Variant Classification Process June 2021. Collection method: clinical testing. Allele origin: germline. Affected: yes.
Comment: Not observed at significant frequency in large population cohorts (gnomAD); In silico analysis indicates that this missense variant does not alter protein structure/function; Has not been previously published as pathogenic or benign to our knowledge

NM_001272071.2(AP1S2):c.400A>G (p.Ile134Val)

Gene: AP1S2 (adaptor related protein complex 1 subunit sigma 2; minus strand). Cytogenetic location: Xp22.2.
Variant type: single nucleotide variant.
Coding change: c.400A>G on transcript NM_001272071.2 (MANE Select); coding-DNA position 400, A replaced by G.
Protein change: p.Ile134Val; replaces isoleucine 134 with valine.
Molecular consequence: missense variant. On other transcripts: non-coding transcript variant (2).
Genome position (GRCh38, 1-based): chrX:15,845,405, T>C on the plus strand (A>G on the coding strand, the complement: AP1S2 is on the minus strand). VCF-style: chrX-15845405-T-C. GRCh37 (hg19) VCF-style: chrX-15863528-T-C.
Other names: c.400A>G, p.Ile134Val (NM_001368994.1, NM_001369007.1, NM_001369008.1 and 1 more transcripts); short protein forms I134V.
Identifiers: ClinVar variation 3602383 (VCV003602383.1).